The following is an entry in ClinVar:

ClinVar aggregate classification (germline): Uncertain significance (1 of 4 stars; one submission).

Submission:

Women's Health and Genetics/Laboratory Corporation of America, LabCorp
Classification: Uncertain significance. Last evaluated: 2026-04-16. Review status: criteria provided, single submitter. Criteria: LabCorp Variant Classification Summary - May 2015. Collection method: clinical testing. Allele origin: germline.
Comment: Variant summary: IKBKG c.1055+4G>A alters a conserved nucleotide located close to a canonical splice site and therefore could affect mRNA splicing, leading to a significantly altered protein sequence. Consensus agreement among computation tools predict no significant impact on normal splicing. However, these predictions have yet to be confirmed by functional studies. The frequency data for this variant in gnomAD is considered unreliable, as metrics indicate poor data quality at this position. To our knowledge, no occurrence of c.1055+4G>A in individuals affected with IKBKG-related conditions and no experimental evidence demonstrating its impact on protein function have been reported. No submitters have cited clinical-significance assessments for this variant to ClinVar. Based on the evidence outlined above, the variant was classified as uncertain significance.

NM_001099857.5(IKBKG):c.1055+4G>A

Gene: IKBKG (inhibitor of nuclear factor kappa B kinase regulatory subunit gamma; plus strand). Cytogenetic location: Xq28.
Variant type: single nucleotide variant.
Coding change: c.1055+4G>A on transcript NM_001099857.5 (MANE Select); 4 bases into the intron after coding-DNA position 1055, G replaced by A.
Molecular consequence: intron variant.
Genome position (GRCh38, 1-based): chrX:154,563,705, G>A. VCF-style: chrX-154563705-G-A. GRCh37 (hg19) VCF-style: chrX-153791920-G-A.
Other names: c.1055+4G>A (NM_001377312.1, NM_001321396.3, NM_003639.4); c.1052+4G>A (NM_001377313.1, NM_001321397.3); c.1259+4G>A (NM_001099856.6); c.758+4G>A (NM_001145255.4); c.899+4G>A (NM_001377314.1); c.686+4G>A (NM_001377315.1).
Identifiers: ClinVar variation 4848479 (VCV004848479.1).